The following is an entry in ClinVar:

ClinVar aggregate classification (germline): Likely benign. Review status: criteria provided, multiple submitters, no conflicts (2 of 4 stars). 2 submissions from 2 submitters: Likely benign (2). Last evaluated 2023-11-02.

Conditions:
Wilson disease (WND). Also called: Wilson's disease. Identifiers: Orphanet 905, MedGen C0019202, MONDO:0010200, OMIM 277900. Disease mechanism: loss of function.

Submissions (2):

All of Us Research Program, National Institutes of Health
Classification: Likely benign for Wilson disease. Last evaluated: 2023-11-02. Review status: criteria provided, single submitter. Criteria: ACMG Guidelines, 2015. Collection method: clinical testing. Allele origin: germline. Inheritance: Autosomal recessive inheritance. Observed: 1 variant allele, 1 heterozygote.
Comment: This study involves interpretation of variants in research participants for the purpose of population health screening. Participant phenotype was not available at the time of variant classification. Additional details can be found in publication PMID: 35346344, PMCID: PMC8962531

Labcorp Genetics (formerly Invitae), Labcorp
Classification: Likely benign for Wilson disease. Last evaluated: 2023-06-16. Review status: criteria provided, single submitter. Criteria: Invitae Variant Classification Sherloc (09022015). Collection method: clinical testing. Allele origin: germline.

NM_000053.4(ATP7B):c.1710C>T (p.Ile570=)

Gene: ATP7B (ATPase copper transporting beta; minus strand). Cytogenetic location: 13q14.3.
Variant type: single nucleotide variant.
Coding change: c.1710C>T on transcript NM_000053.4 (MANE Select); coding-DNA position 1710, C replaced by T.
Protein change: p.Ile570=; no amino-acid change (isoleucine 570 retained).
Molecular consequence: synonymous variant.
Genome position (GRCh38, 1-based): chr13:51,965,031, G>A on the plus strand (C>T on the coding strand, the complement: ATP7B is on the minus strand). VCF-style: chr13-51965031-G-A. GRCh37 (hg19) VCF-style: chr13-52539167-G-A.
Other names: c.1710C>T, p.Ile570= (NM_001005918.3, NM_001330578.2, NM_001330579.2); c.1377C>T, p.Ile459= (NM_001243182.2).
Identifiers: ClinVar variation 1567511 (VCV001567511.9), dbSNP rs2139780456, ClinGen allele CA483896549.